The following is an entry in ClinVar:

ClinVar aggregate classification (germline): Uncertain significance (1 of 4 stars; one submission).

Conditions:
LAMA2-related muscular dystrophy (LAMA2-RD). Also called: Laminin alpha 2-related dystrophy. Identifiers: MedGen C5679788, MONDO:0100228.

Allele frequency attached by ClinVar (database versions not stated): gnomAD exomes below 0.00001.
gnomAD v4.1: 2 of 1,613,616 alleles (0.00012%); highest among the groups gnomAD compares: Admixed American, 0.0017%; no homozygotes.

Submission:

Labcorp Genetics (formerly Invitae), Labcorp
Classification: Uncertain significance for LAMA2-related muscular dystrophy. Last evaluated: 2022-08-16. Review status: criteria provided, single submitter. Criteria: Invitae Variant Classification Sherloc (09022015). Collection method: clinical testing. Allele origin: germline.
Comment: In summary, the available evidence is currently insufficient to determine the role of this variant in disease. Therefore, it has been classified as a Variant of Uncertain Significance. Advanced modeling of protein sequence and biophysical properties (such as structural, functional, and spatial information, amino acid conservation, physicochemical variation, residue mobility, and thermodynamic stability) performed at Invitae indicates that this missense variant is not expected to disrupt LAMA2 protein function. This sequence change replaces aspartic acid, which is acidic and polar, with asparagine, which is neutral and polar, at codon 2249 of the LAMA2 protein (p.Asp2249Asn). This variant is present in population databases (no rsID available, gnomAD 0.003%). This variant has not been reported in the literature in individuals affected with LAMA2-related conditions. ClinVar contains an entry for this variant (Variation ID: 1522504).

NM_000426.4(LAMA2):c.6745G>A (p.Asp2249Asn)

Gene: LAMA2 (laminin subunit alpha 2; plus strand). Cytogenetic location: 6q22.33.
Variant type: single nucleotide variant.
Coding change: c.6745G>A on transcript NM_000426.4 (MANE Select); coding-DNA position 6745, G replaced by A.
Protein change: p.Asp2249Asn; replaces aspartic acid 2249 with asparagine.
Molecular consequence: missense variant.
Genome position (GRCh38, 1-based): chr6:129,456,372, G>A. VCF-style: chr6-129456372-G-A. GRCh37 (hg19) VCF-style: chr6-129777517-G-A.
Other names: c.6745G>A, p.Asp2249Asn (NM_001079823.2); short protein forms D2249N.
Identifiers: ClinVar variation 1522504 (VCV001522504.6), dbSNP rs1343464795, ClinGen allele CA365618138.